The following is an entry in ClinVar:

ClinVar aggregate classification (germline): Uncertain significance (1 of 4 stars; one submission).

Conditions:
Meckel-Gruber syndrome. Also called: DYSENCEPHALIA SPLANCHNOCYSTICA; GRUBER SYNDROME; Dysencephalia splachnocystica. Identifiers: Orphanet 564, MedGen C0265215, MONDO:0018921.
Joubert syndrome. Also called: CEREBELLOPARENCHYMAL DISORDER IV; JOUBERT-BOLTSHAUSER SYNDROME; Familial aplasia of the vermis. Identifiers: Orphanet 475, MedGen C5979921, MONDO:0018772.

Allele frequency attached by ClinVar (database versions not stated): gnomAD exomes 0.00001; TOPMed 0.00001; ExAC 0.00002; gnomAD 0.00003.
gnomAD v4.1: 24 of 1,612,776 alleles (0.0015%); highest among the groups gnomAD compares: Non-Finnish European, 0.002%; no homozygotes.

Submission:

Labcorp Genetics (formerly Invitae), Labcorp
Classification: Uncertain significance for Joubert syndrome; Meckel-Gruber syndrome. Last evaluated: 2022-09-01. Review status: criteria provided, single submitter. Criteria: Invitae Variant Classification Sherloc (09022015). Collection method: clinical testing. Allele origin: germline.
Comment: In summary, the available evidence is currently insufficient to determine the role of this variant in disease. Therefore, it has been classified as a Variant of Uncertain Significance. Algorithms developed to predict the effect of sequence changes on RNA splicing suggest that this variant may create or strengthen a splice site. Algorithms developed to predict the effect of missense changes on protein structure and function (SIFT, PolyPhen-2, Align-GVGD) all suggest that this variant is likely to be disruptive. ClinVar contains an entry for this variant (Variation ID: 1517647). This variant has not been reported in the literature in individuals affected with TCTN1-related conditions. This variant is present in population databases (rs771704189, gnomAD 0.003%). This sequence change replaces aspartic acid, which is acidic and polar, with glycine, which is neutral and non-polar, at codon 176 of the TCTN1 protein (p.Asp176Gly).

NM_001082538.3(TCTN1):c.527A>G (p.Asp176Gly)

Gene: TCTN1 (tectonic family member 1; plus strand). Cytogenetic location: 12q24.11.
Variant type: single nucleotide variant.
Coding change: c.527A>G on transcript NM_001082538.3 (MANE Select); coding-DNA position 527, A replaced by G.
Protein change: p.Asp176Gly; replaces aspartic acid 176 with glycine.
Molecular consequence: missense variant. On other transcripts: 5 prime UTR variant (1), non-coding transcript variant (1).
Genome position (GRCh38, 1-based): chr12:110,628,821, A>G. VCF-style: chr12-110628821-A-G. GRCh37 (hg19) VCF-style: chr12-111066626-A-G.
Other names: c.527A>G, p.Asp176Gly (NM_001082537.3, NM_001319680.2, NM_024549.6); c.359A>G, p.Asp120Gly (NM_001173975.3, NM_001319682.3); c.347A>G, p.Asp116Gly (NM_001173976.2); c.-8A>G (NM_001319681.2); short protein forms D116G, D120G, D176G.
Identifiers: ClinVar variation 1517647 (VCV001517647.4), dbSNP rs771704189, ClinGen allele CA6786608.